The following is an entry in ClinVar:

ClinVar aggregate classification (germline): Benign. Review status: criteria provided, multiple submitters, no conflicts (2 of 4 stars). 13 submissions from 11 submitters: Benign (10). 3 of the submissions do not count toward it. Last evaluated 2024-11-26.

Conditions:
Progressive external ophthalmoplegia with mitochondrial DNA deletions, autosomal recessive 4. Also called: PROGRESSIVE EXTERNAL OPHTHALMOPLEGIA, AUTOSOMAL RECESSIVE 4; Adult-onset multiple mitochondrial DNA deletion syndrome due to DGUOK deficiency. Identifiers: Orphanet 329314, MedGen C4310733, MONDO:0014899, OMIM 617070.
Portal hypertension, noncirrhotic. Identifiers: MedGen C4310735, MONDO:0024193.
Mitochondrial DNA depletion syndrome 3 (hepatocerebral type). Also called: Deoxyguanosine Kinase Deficiency; Mitochondrial DNA depletion syndrome, hepatocerebral form due to DGUOK deficiency; MITOCHONDRIAL DNA DEPLETION SYNDROME 3. Identifiers: Orphanet 279934, MedGen CN074093, MONDO:0009636, OMIM 251880.

Allele frequency attached by ClinVar (database versions not stated): 1000 Genomes Project 0.53075; 1000 Genomes Project 30x 0.53467; TOPMed 0.55708; ESP Exome Variant Server 0.56535; gnomAD 0.57300 and 0.57593; ExAC 0.58576; gnomAD exomes 0.58785 and 0.59429.
gnomAD v4.1: 950,057 of 1,605,462 alleles (59%); highest among the groups gnomAD compares: Non-Finnish European, 60%; 283,273 homozygotes.

Submissions (13):

Blueprint Genetics
Classification: Benign. Last evaluated: 2024-11-26. Review status: criteria provided, single submitter. Criteria: ACMG Guidelines, 2015. Collection method: clinical testing. Allele origin: germline.

Mayo Clinic Laboratories, Mayo Clinic
Classification: Benign. Last evaluated: 2022-05-05. Review status: criteria provided, single submitter. Criteria: ACMG Guidelines, 2015. Collection method: clinical testing. Allele origin: germline. Observed: 442 variant alleles.

Genome-Nilou Lab
Classification: Benign for Mitochondrial DNA depletion syndrome 3 (hepatocerebral type). Last evaluated: 2021-07-30. Review status: criteria provided, single submitter. Criteria: ACMG Guidelines, 2015. Collection method: clinical testing. Allele origin: germline. Affected: no.

Genome-Nilou Lab
Classification: Benign for Portal hypertension, noncirrhotic, 1. Last evaluated: 2021-07-30. Review status: criteria provided, single submitter. Criteria: ACMG Guidelines, 2015. Collection method: clinical testing. Allele origin: germline. Affected: no.

Genome-Nilou Lab
Classification: Benign for Progressive external ophthalmoplegia with mitochondrial DNA deletions, autosomal recessive 4. Last evaluated: 2021-07-30. Review status: criteria provided, single submitter. Criteria: ACMG Guidelines, 2015. Collection method: clinical testing. Allele origin: germline. Affected: no.

Illumina Laboratory Services, Illumina
Classification: Benign for Mitochondrial DNA depletion syndrome 3 (hepatocerebral type). Last evaluated: 2018-01-12. Review status: criteria provided, single submitter. Criteria: ICSL Variant Classification Criteria 13 December 2019. Collection method: clinical testing. Allele origin: germline.
Comment: This variant was observed in the ICSL laboratory as part of a predisposition screen in an ostensibly healthy population. It had not been previously curated by ICSL or reported in the Human Gene Mutation Database (HGMD: prior to June 1st, 2018), and was therefore a candidate for classification through an automated scoring system. Utilizing variant allele frequency, disease prevalence and penetrance estimates, and inheritance mode, an automated score was calculated to assess if this variant is too frequent to cause the disease. Based on the score and internal cut-off values, a variant classified as benign is not then subjected to further curation. The score for this variant resulted in a classification of benign for this disease.

Eurofins Ntd Llc (ga)
Classification: Benign. Last evaluated: 2015-08-27. Review status: criteria provided, single submitter. Criteria: EGL Classification Definitions 2015. Collection method: clinical testing. Allele origin: germline. Observed: 1 variant allele, 1 heterozygote.

GeneDx
Classification: Benign. Last evaluated: 2011-06-30. Review status: criteria provided, single submitter. Criteria: GeneDx Variant Classification (06012015). Collection method: clinical testing. Allele origin: germline. Affected: yes.
Comment: This variant is considered likely benign or benign based on one or more of the following criteria: it is a conservative change, it occurs at a poorly conserved position in the protein, it is predicted to be benign by multiple in silico algorithms, and/or has population frequency not consistent with disease.

Breakthrough Genomics
Classification: Benign. Review status: criteria provided, single submitter. Criteria: ACMG Guidelines, 2015. Collection method: not provided. Allele origin: germline. Inheritance: Autosomal recessive inheritance. Affected: yes.

PreventionGenetics, part of Exact Sciences
Classification: Benign. Review status: criteria provided, single submitter. Criteria: ACMG Guidelines, 2015. Collection method: clinical testing. Allele origin: germline.

Clinical Genetics, Academic Medical Center
Classification: Benign. Review status: no assertion criteria provided. Collection method: clinical testing. Allele origin: germline. Affected: yes. Study: VKGL Data-share Consensus. Not counted in ClinVar's aggregate classification.

Diagnostic Laboratory, Department of Genetics, University Medical Center Groningen
Classification: Benign for Mitochondrial DNA depletion syndrome 3 (hepatocerebral type). Review status: no assertion criteria provided. Collection method: clinical testing. Allele origin: germline. Affected: yes. Study: VKGL Data-share Consensus. Not counted in ClinVar's aggregate classification.

Joint Genome Diagnostic Labs from Nijmegen and Maastricht, Radboudumc and MUMC+
Classification: Benign. Review status: no assertion criteria provided. Collection method: clinical testing. Allele origin: germline. Affected: yes. Study: VKGL Data-share Consensus. Not counted in ClinVar's aggregate classification.

NM_080916.3(DGUOK):c.*13A>T

Genes: DGUOK (deoxyguanosine kinase; plus strand), DGUOK-AS1 (DGUOK antisense RNA 1; minus strand). Cytogenetic location: 2p13.1.
Variant type: single nucleotide variant.
Coding change: c.*13A>T on transcript NM_080916.3 (MANE Select); 13 bases downstream of the stop codon, A replaced by T.
Molecular consequence: 3 prime UTR variant. On other transcripts: non-coding transcript variant (6).
Genome position (GRCh38, 1-based): chr2:73,958,749, A>T. VCF-style: chr2-73958749-A-T. GRCh37 (hg19) VCF-style: chr2-74185876-A-T.
Other names: c.*13A>T (NM_001318859.2, NM_001318860.2, NM_001318861.2 and 3 more transcripts).
Identifiers: ClinVar variation 137083 (VCV000137083.19), dbSNP rs4777, ClinGen allele CA290588.
Genomic context (GRCh38, chr2:73,958,749, plus strand): 5'-CTGATTTTCTCCTTCCCACAGGTAAACACCTTTGTAAAGAATCTGTAACCAATACCATGA[A>T]GTTCAGGCTGTGATCTGGGCTCCCTGACTTTCTGAAGCTAGAAAAATGTTGTGTCTCCCA-3'